The following is an entry in ClinVar:

NM_001379500.1(COL18A1):c.512del (p.Gly171fs)

Gene: COL18A1 (collagen type XVIII alpha 1 chain; plus strand). Cytogenetic location: 21q22.3.
Variant type: Deletion.
Coding change: c.512del on transcript NM_001379500.1 (MANE Select); coding-DNA position 512, one base deleted (G; older notation c.512delG).
Protein change: p.Gly171fs; shifts the reading frame from glycine 171.
Molecular consequence: frameshift variant.
Genome position (GRCh38, 1-based): chr21:45,468,647, G deleted; the last of 2 consecutive G bases (chr21:45,468,646-45,468,647); deleting either gives the same sequence. VCF-style (leftmost placement, unchanged base first): chr21-45468645-AG-A. GRCh37 (hg19) VCF-style: chr21-46888559-AG-A.
Other names: c.1052del, p.Gly351fs (NM_030582.4); c.1757del, p.Gly586fs (NM_130444.3); short protein forms G586fs, G171fs, G351fs.
Identifiers: ClinVar variation 1453785 (VCV001453785.6), dbSNP rs2145891005, ClinGen allele CA2573157440.
Genomic context (GRCh38, chr21:45,468,645, plus strand): 5'-CGCCAGCTTCCGGCTCCCCGCCTTCGTCGGCCAGTGGACACACTTAGCCCTCAGTGTGGC[AG>A]GTGGCTTTGTGGCCCTCTACGTGGACTGTGAGGAGTTCCAGAGAATGCCGCTTGCTCGGT-3'

ClinVar aggregate classification (germline): Pathogenic (1 of 4 stars; one submission).

Submission:

Labcorp Genetics (formerly Invitae), Labcorp
Classification: Pathogenic. Last evaluated: 2021-02-08. Review status: criteria provided, single submitter. Criteria: Invitae Variant Classification Sherloc (09022015). Collection method: clinical testing. Allele origin: germline.
Comment: This variant has not been reported in the literature in individuals with COL18A1-related conditions. For these reasons, this variant has been classified as Pathogenic. This variant is not present in population databases (ExAC no frequency). This sequence change creates a premature translational stop signal (p.Gly171Valfs*49) in the COL18A1 gene. It is expected to result in an absent or disrupted protein product. Loss-of-function variants in COL18A1 are known to be pathogenic (PMID: 12415512, 25456301).

Literature cited by the submitters: PubMed 12415512; PubMed 25456301.